The following is an entry in ClinVar:

ClinVar aggregate classification (germline): Pathogenic (1 of 4 stars; one submission).

Conditions:
Hermansky-Pudlak syndrome 2 (HPS2). Also called: Platelet defects and oculocutaneous albinism. Identifiers: Orphanet 183678, Orphanet 79430, MedGen C1842362, MONDO:0011997, OMIM 608233.

Submission:

Labcorp Genetics (formerly Invitae), Labcorp
Classification: Pathogenic for Hermansky-Pudlak syndrome 2. Last evaluated: 2019-03-30. Review status: criteria provided, single submitter. Criteria: Invitae Variant Classification Sherloc (09022015). Collection method: clinical testing. Allele origin: germline.
Comment: For these reasons, this variant has been classified as Pathogenic. Loss-of-function variants in AP3B1 are known to be pathogenic (PMID: 16507770, 23403622). This variant has not been reported in the literature in individuals with AP3B1-related conditions. This variant is not present in population databases (ExAC no frequency). This sequence change creates a premature translational stop signal (p.Trp260*) in the AP3B1 gene. It is expected to result in an absent or disrupted protein product.

Literature cited by the submitters: PubMed 16507770; PubMed 23403622.

NM_003664.5(AP3B1):c.779G>A (p.Trp260Ter)

Gene: AP3B1 (adaptor related protein complex 3 subunit beta 1; minus strand). Cytogenetic location: 5q14.1.
Variant type: single nucleotide variant.
Coding change: c.779G>A on transcript NM_003664.5 (MANE Select); coding-DNA position 779, G replaced by A.
Protein change: p.Trp260Ter; replaces tryptophan 260 with a stop codon.
Molecular consequence: nonsense.
Genome position (GRCh38, 1-based): chr5:78,216,062, C>T on the plus strand (G>A on the coding strand, the complement: AP3B1 is on the minus strand). VCF-style: chr5-78216062-C-T. GRCh37 (hg19) VCF-style: chr5-77511886-C-T.
Other names: c.632G>A, p.Trp211Ter (NM_001271769.2); short protein forms W211*, W260*.
Identifiers: ClinVar variation 856193 (VCV000856193.7), dbSNP rs1745947620, ClinGen allele CA360190719.